The following is an entry in ClinVar:

NM_000051.4(ATM):c.6899G>C (p.Trp2300Ser)

Genes: ATM (ATM serine/threonine kinase; plus strand), C11orf65 (chromosome 11 open reading frame 65; minus strand). Cytogenetic location: 11q22.3.
Variant type: single nucleotide variant.
Coding change: c.6899G>C on transcript NM_000051.4 (MANE Select); coding-DNA position 6899, G replaced by C.
Protein change: p.Trp2300Ser; replaces tryptophan 2300 with serine.
Molecular consequence: missense variant. On other transcripts: intron variant (2).
Genome position (GRCh38, 1-based): chr11:108,326,149, G>C. VCF-style: chr11-108326149-G-C. GRCh37 (hg19) VCF-style: chr11-108196876-G-C.
Other names: c.6899G>C, p.Trp2300Ser (NM_001351834.2); c.641-17078C>G (NM_001330368.2); c.*38+9071C>G (NM_001351110.2); short protein forms W2300S.
Identifiers: ClinVar variation 559541 (VCV000559541.50), dbSNP rs1555119899, ClinGen allele CA382556951.

ClinVar aggregate classification (germline): Conflicting classifications of pathogenicity. Review status: criteria provided, conflicting classifications (1 of 4 stars). 6 submissions from 6 submitters: Likely pathogenic (2); Uncertain significance (3). 1 of the submissions does not count toward it. Last evaluated 2026-09-14.

Conditions:
Hereditary cancer-predisposing syndrome. Also called: Hereditary Cancer Syndrome; Neoplastic Syndromes, Hereditary; Tumor predisposition; Hereditary neoplastic syndrome. Identifiers: Orphanet 140162, MedGen C0027672, MeSH D009386, MONDO:0015356.
ATM-related cancer predisposition. Also called: ATM-related cancer susceptibility. Identifiers: MedGen CN377759, MONDO:0700270.
Ataxia-telangiectasia syndrome (AT). Also called: Cerebello-oculocutaneous telangiectasia; Immunodeficiency with ataxia telangiectasia; Ataxia-telangiectasia, complementation group E; Ataxia-telangiectasia, complementation group D; AT, COMPLEMENTATION GROUP C; ATAXIA-TELANGIECTASIA, COMPLEMENTATION GROUP A. Identifiers: Orphanet 100, MedGen C0004135, MONDO:0008840, OMIM 208900.

gnomAD v4.1: 1 of 1,613,944 alleles (0.000062%); highest among the groups gnomAD compares: Non-Finnish European, 0.000085%; no homozygotes.

Submissions (6):

Hema, HEMA – Genetic and Molecular Diagnostic Laboratory
Classification: Uncertain significance for ATM-related cancer predisposition. Last evaluated: 2026-09-14. Review status: criteria provided, single submitter. Criteria: HEMA Variant Classification Assertion Criteria. Collection method: clinical testing. Allele origin: germline.
Comment: The c.6899G>C variant is a transversion from guanine to cytosine, resulting in the substitution of tryptophan 2300 with serine in the ATM protein. PM2_Supporting: Present at very low frequency in gnomAD v4.1.2. PM3_Supporting: The variant has been reported in the heterozygous state in combination with a variant of uncertain significance in an individual with ataxia-telangiectasia (PMID: 30888062). PP3: The computational meta-predictor REVEL score = 0.851 > 0.733, indicating that the variant would affect the function of the ATM protein.

Ambry Genetics
Classification: Likely pathogenic for Hereditary cancer-predisposing syndrome. Last evaluated: 2026-07-23. Review status: criteria provided, single submitter. Criteria: Ambry Variant Classification Scheme 2023. Collection method: clinical testing. Allele origin: germline.
Comment: The p.W2300S variant (also known as c.6899G>C), located in coding exon 46 of the ATM gene, results from a G to C substitution at nucleotide position 6899. The tryptophan at codon 2300 is replaced by serine, an amino acid with highly dissimilar properties. This variant has been identified in the homozygous state and/or in conjunction with other ATM variant(s) in individual(s) who met clinical criteria for ataxia telangiectasia (Martin-Rodriguez S et al. Ann Hum Genet, 2019 Jul;83:266-273). In an assay testing ATM function, this variant showed a functionally abnormal result (Lee KS et al. Cell, 2025 Sep;188:5081-5099.e27). This amino acid position is highly conserved in available vertebrate species. In addition, this alteration is predicted to be deleterious by in silico analysis. This variant is considered to be rare based on population cohorts in the Genome Aggregation Database (gnomAD). Based on the majority of available evidence to date, this variant is likely to be pathogenic.

Hereditary Cancer Laboratory, Hospital Universitario 12 de Octubre
Classification: Uncertain significance for Hereditary cancer-predisposing syndrome. Last evaluated: 2024-11-25. Review status: criteria provided, single submitter. Criteria: ACMG Guidelines, 2015. Collection method: clinical testing. Allele origin: germline.
Comment: PM2+PM3+PP3

3billion
Classification: Likely pathogenic for Ataxia-telangiectasia syndrome. Last evaluated: 2022-05-22. Review status: criteria provided, single submitter. Criteria: ACMG Guidelines, 2015. Collection method: clinical testing. Allele origin: germline. Affected: yes. Observed: 1 heterozygote.
Comment: The variant is not observed in the gnomAD v2.1.1 dataset. Protein truncation variants are a common disease-causing mechanism. In silico tool predictions suggest damaging effect of the variant on gene or gene product (REVEL: 0.85; 3Cnet: 0.95). Same nucleotide change resulting in same amino acid change has been previously reported to be associated with ATM related disorder (ClinVar ID: VCV000559541 / PMID: 30888062). The variant has been reported to be in trans with a pathogenic variant as either compound heterozygous or homozygous in at least one similarly affected unrelated individual (PMID: 30888062). A different missense change at the same codon (p.Trp2300Gly) has been reported to be associated with ATM related disorder (PMID: 33098801). Therefore, this variant is classified as likely pathogenic according to the recommendation of ACMG/AMP guideline.

Labcorp Genetics (formerly Invitae), Labcorp
Classification: Uncertain significance for Ataxia-telangiectasia syndrome. Last evaluated: 2021-08-28. Review status: criteria provided, single submitter. Criteria: Invitae Variant Classification Sherloc (09022015). Collection method: clinical testing. Allele origin: germline.
Comment: ClinVar contains an entry for this variant (Variation ID: 559541). Advanced modeling of protein sequence and biophysical properties (such as structural, functional, and spatial information, amino acid conservation, physicochemical variation, residue mobility, and thermodynamic stability) performed at Invitae indicates that this missense variant is expected to disrupt ATM protein function. In summary, the available evidence is currently insufficient to determine the role of this variant in disease. Therefore, it has been classified as a Variant of Uncertain Significance. This missense change has been observed in individual(s) with clinical features of ataxia-telangiectasia (PMID: 30888062). This sequence change replaces tryptophan with serine at codon 2300 of the ATM protein (p.Trp2300Ser). The tryptophan residue is highly conserved and there is a large physicochemical difference between tryptophan and serine. This variant is not present in population databases (ExAC no frequency).

HUSP Clinical Genetics Laboratory, Hospital Universitario San Pedro De Logroño (HUSP)
Classification: Likely pathogenic for Ataxia-telangiectasia syndrome. Last evaluated: 2018-07-26. Review status: no assertion criteria provided. Collection method: clinical testing, case-control. Allele origin: germline. Inheritance: Autosomal recessive inheritance. Affected: yes and no. Observed: 2 variant alleles, 1 heterozygote, 1 compound heterozygote. Not counted in ClinVar's aggregate classification.

Literature cited by the submitters: PubMed 30888062 (cited by 4 submitters); PubMed 40580951 (cited by Ambry Genetics); PubMed 33098801 (cited by 3billion).